The following is an entry in ClinVar:

NM_001037.5(SCN1B):c.501T>C (p.Ile167=)

Gene: SCN1B (sodium voltage-gated channel beta subunit 1; plus strand). Cytogenetic location: 19q13.11.
Variant type: single nucleotide variant.
Coding change: c.501T>C on transcript NM_001037.5 (MANE Select); coding-DNA position 501, T replaced by C.
Protein change: p.Ile167=; no amino-acid change (isoleucine 167 retained).
Molecular consequence: synonymous variant.
Genome position (GRCh38, 1-based): chr19:35,039,169, T>C. VCF-style: chr19-35039169-T-C. GRCh37 (hg19) VCF-style: chr19-35530073-T-C.
Other names: p.Ile167=; c.402T>C, p.Ile134= (NM_001321605.2).
Identifiers: ClinVar variation 130210 (VCV000130210.30), dbSNP rs16969930, ClinGen allele CA155052.
Genomic context (GRCh38, chr19:35,039,169, plus strand): 5'-CCCTGCAGCCAACAGAGACATGGCATCCATCGTGTCTGAGATCATGATGTATGTGCTCAT[T>C]GTGGTGTTGACCATATGGCTCGTGGCAGAGATGATTTACTGCTACAAGAAGATCGCTGCC-3'
Protein context (NP_001028.1, residues 157-177): IVSEIMMYVL[Ile167=]VVLTIWLVAE

ClinVar aggregate classification (germline): Benign. Review status: criteria provided, multiple submitters, no conflicts (2 of 4 stars). 13 submissions from 12 submitters: Benign (9). 4 of the submissions do not count toward it. Last evaluated 2026-02-04.

Conditions:
Cardiovascular phenotype. Identifiers: MedGen CN230736.
Brugada syndrome 5 (BRGDA5). Identifiers: Orphanet 130, Orphanet 871, MedGen C2748541, MONDO:0013015, OMIM 612838.
Generalized epilepsy with febrile seizures plus, type 1 (GEFSP1). Also called: GEFS+, TYPE 1. Identifiers: Orphanet 36387, MedGen C1858672, MONDO:0011416, OMIM 604233.

Allele frequency attached by ClinVar (database versions not stated): 1000 Genomes Project 30x 0.01562; ESP Exome Variant Server 0.02368; ExAC 0.02399; gnomAD exomes 0.02938 and 0.02311; 1000 Genomes Project 0.01558; gnomAD 0.01942 and 0.01990; TOPMed 0.01833.
gnomAD v4.1: 45,683 of 1,614,122 alleles (2.8%); highest among the groups gnomAD compares: South Asian, 3.4%; 756 homozygotes.

Submissions (13):

Labcorp Genetics (formerly Invitae), Labcorp
Classification: Benign for Brugada syndrome 5. Last evaluated: 2026-02-04. Review status: criteria provided, single submitter. Criteria: Invitae Variant Classification Sherloc (09022015). Collection method: clinical testing. Allele origin: germline.

Blueprint Genetics
Classification: Benign. Last evaluated: 2024-11-27. Review status: criteria provided, single submitter. Criteria: ACMG Guidelines, 2015. Collection method: clinical testing. Allele origin: germline.

Mayo Clinic Laboratories, Mayo Clinic
Classification: Benign. Last evaluated: 2018-12-14. Review status: criteria provided, single submitter. Criteria: ACMG Guidelines, 2015. Collection method: clinical testing. Allele origin: germline. Observed: 32 variant alleles.

Illumina Laboratory Services, Illumina
Classification: Benign for Brugada syndrome 5. Last evaluated: 2018-01-12. Review status: criteria provided, single submitter. Criteria: ICSL Variant Classification Criteria 13 December 2019. Collection method: clinical testing. Allele origin: germline.
Comment: This variant was observed in the ICSL laboratory as part of a predisposition screen in an ostensibly healthy population. It had not been previously curated by ICSL or reported in the Human Gene Mutation Database (HGMD: prior to June 1st, 2018), and was therefore a candidate for classification through an automated scoring system. Utilizing variant allele frequency, disease prevalence and penetrance estimates, and inheritance mode, an automated score was calculated to assess if this variant is too frequent to cause the disease. Based on the score and internal cut-off values, a variant classified as benign is not then subjected to further curation. The score for this variant resulted in a classification of benign for this disease.

Illumina Laboratory Services, Illumina
Classification: Benign for Generalized epilepsy with febrile seizures plus, type 1. Last evaluated: 2018-01-12. Review status: criteria provided, single submitter. Criteria: ICSL Variant Classification Criteria 13 December 2019. Collection method: clinical testing. Allele origin: germline.
Comment: the same text as in the submission from Illumina Laboratory Services, Illumina above.

PreventionGenetics, part of Exact Sciences
Classification: Benign. Last evaluated: 2016-02-21. Review status: criteria provided, single submitter. Criteria: ACMG Guidelines, 2015. Collection method: clinical testing. Allele origin: germline.

Ambry Genetics
Classification: Benign for Cardiovascular phenotype. Last evaluated: 2015-07-31. Review status: criteria provided, single submitter. Criteria: Ambry Variant Classification Scheme 2023. Collection method: clinical testing. Allele origin: germline.

GeneDx
Classification: Benign. Last evaluated: 2015-03-03. Review status: criteria provided, single submitter. Criteria: GeneDx Variant Classification Process June 2021. Collection method: clinical testing. Allele origin: germline. Affected: yes.

Breakthrough Genomics
Classification: Benign. Review status: criteria provided, single submitter. Criteria: ACMG Guidelines, 2015. Collection method: not provided. Allele origin: germline. Inheritance: Autosomal recessive inheritance. Affected: yes.

Clinical Genetics, Academic Medical Center
Classification: Benign. Review status: no assertion criteria provided. Collection method: clinical testing. Allele origin: germline. Affected: yes. Study: VKGL Data-share Consensus. Not counted in ClinVar's aggregate classification.

Genetic Services Laboratory, University of Chicago
Classification: Likely benign for AllHighlyPenetrant. Review status: no assertion criteria provided. Collection method: clinical testing. Allele origin: germline. Inheritance: Autosomal dominant inheritance. Not counted in ClinVar's aggregate classification.
Comment: Likely benign based on allele frequency in 1000 Genomes Project or ESP global frequency and its presence in a patient with a rare or unrelated disease phenotype. NOT Sanger confirmed.

Genome Diagnostics Laboratory, University Medical Center Utrecht
Classification: Benign. Review status: no assertion criteria provided. Collection method: clinical testing. Allele origin: germline. Affected: yes. Study: VKGL Data-share Consensus. Not counted in ClinVar's aggregate classification.

Joint Genome Diagnostic Labs from Nijmegen and Maastricht, Radboudumc and MUMC+
Classification: Benign. Review status: no assertion criteria provided. Collection method: clinical testing. Allele origin: germline. Affected: yes. Study: VKGL Data-share Consensus. Not counted in ClinVar's aggregate classification.